The following is an entry in ClinVar:

NM_001199107.2(TBC1D24):c.920A>C (p.Asn307Thr)

Gene: TBC1D24 (TBC1 domain family member 24; plus strand). Cytogenetic location: 16p13.3.
Variant type: single nucleotide variant.
Coding change: c.920A>C on transcript NM_001199107.2 (MANE Select); coding-DNA position 920, A replaced by C.
Protein change: p.Asn307Thr; replaces asparagine 307 with threonine.
Molecular consequence: missense variant.
Genome position (GRCh38, 1-based): chr16:2,497,068, A>C. VCF-style: chr16-2497068-A-C. GRCh37 (hg19) VCF-style: chr16-2547069-A-C.
Other names: p.N307T:AAT>ACT; c.920A>C, p.Asn307Thr (NM_020705.3); short protein forms N307T.
Identifiers: ClinVar variation 207509 (VCV000207509.2), dbSNP rs761934676, ClinGen allele CA319051.

ClinVar aggregate classification (germline): Uncertain significance (1 of 4 stars; one submission).

Submission:

GeneDx
Classification: Uncertain significance. Last evaluated: 2014-02-06. Review status: criteria provided, single submitter. Criteria: GeneDx Variant Classification (06012015). Collection method: clinical testing. Allele origin: germline. Affected: yes.
Comment: p.Asn307Thr (AAT>ACT): c.920 A>C in exon 2 of the TBC1D24 gene (NM_020705.2). The Asn307Thr missense change has not been published as a mutation, nor has it been reported as a benign polymorphism to our knowledge. It was not observed in approximately 6,300 individuals of European and African American ancestry in the NHLBI Exome Sequencing Project, indicating it is not a common benign variant in these populations. The variant is a conservative substitution of one uncharged, polar amino acid for another. However, Asn307Thr alters a position that is conserved across species and in silico analysis is inconsistent with regard to the effect this variant may have on the protein structure/function. Therefore, based on the currently available information, it is unclear whether Asn307Thr is a disease-causing mutation or a rare benign variant. The variant is found in INFANT-EPI panel(s).